The following is an entry in ClinVar:

ClinVar aggregate classification (germline): Uncertain significance (1 of 4 stars; one submission).

Conditions:
46,XY sex reversal 9 (SRXY9). Also called: 46,XY SEX REVERSAL, ZFPM2-RELATED. Identifiers: Orphanet 251510, MedGen C4015129, MONDO:0014480, OMIM 616067.

Submission:

Labcorp Genetics (formerly Invitae), Labcorp
Classification: Uncertain significance for 46,XY sex reversal 9. Last evaluated: 2023-10-13. Review status: criteria provided, single submitter. Criteria: Invitae Variant Classification Sherloc (09022015). Collection method: clinical testing. Allele origin: germline.
Comment: This sequence change replaces valine, which is neutral and non-polar, with glycine, which is neutral and non-polar, at codon 631 of the ZFPM2 protein (p.Val631Gly). This variant is not present in population databases (gnomAD no frequency). This variant has not been reported in the literature in individuals affected with ZFPM2-related conditions. An algorithm developed to predict the effect of missense changes on protein structure and function (PolyPhen-2) suggests that this variant is likely to be disruptive. In summary, the available evidence is currently insufficient to determine the role of this variant in disease. Therefore, it has been classified as a Variant of Uncertain Significance.

NM_012082.4(ZFPM2):c.1892T>G (p.Val631Gly)

Genes: ZFPM2 (zinc finger protein, FOG family member 2; plus strand), ZFPM2-AS1 (ZFPM2 antisense RNA 1; minus strand). Cytogenetic location: 8q23.1.
Variant type: single nucleotide variant.
Coding change: c.1892T>G on transcript NM_012082.4 (MANE Select); coding-DNA position 1892, T replaced by G.
Protein change: p.Val631Gly; replaces valine 631 with glycine.
Molecular consequence: missense variant.
Genome position (GRCh38, 1-based): chr8:105,801,974, T>G. VCF-style: chr8-105801974-T-G. GRCh37 (hg19) VCF-style: chr8-106814202-T-G.
Other names: c.1733T>G, p.Val578Gly (NM_001362836.2); c.1496T>G, p.Val499Gly (NM_001362837.2); short protein forms V499G, V578G, V631G.
Identifiers: ClinVar variation 2781915 (VCV002781915.3), dbSNP rs2488155925, ClinGen allele CA371952637.